The following is an entry in ClinVar:

NM_014806.5(RUSC2):c.189C>G (p.Asp63Glu)

Gene: RUSC2 (RUN and SH3 domain containing 2; plus strand). Cytogenetic location: 9p13.3.
Variant type: single nucleotide variant.
Coding change: c.189C>G on transcript NM_014806.5 (MANE Select); coding-DNA position 189, C replaced by G.
Protein change: p.Asp63Glu; replaces aspartic acid 63 with glutamic acid.
Molecular consequence: missense variant. On other transcripts: non-coding transcript variant (1), intron variant (1).
Genome position (GRCh38, 1-based): chr9:35,546,710, C>G. VCF-style: chr9-35546710-C-G. GRCh37 (hg19) VCF-style: chr9-35546707-C-G.
Other names: c.189C>G, p.Asp63Glu (NM_001135999.2); c.-620-8350C>G (NM_001330740.2); c.189C>G (NM_001135999.1); short protein forms D63E.
Identifiers: ClinVar variation 1353788 (VCV001353788.7), dbSNP rs772867167, ClinGen allele CA5043412.
Genomic context (GRCh38, chr9:35,546,710, plus strand): 5'-TCCCTTCTGCCCACCTGAGCTGGGCATCACCCAGCCCGATCAAGACCTAGGACAAGCTGA[C>G]TCCCTGCTATTCAGCAGCCTGCACTCTACTCCAGGAGGAACTGCACGGTCTATAGACAGC-3'
Protein context (NP_055621.2, residues 53-73): TQPDQDLGQA[Asp63Glu]SLLFSSLHST

ClinVar aggregate classification (germline): Uncertain significance. Review status: criteria provided, multiple submitters, no conflicts (2 of 4 stars). 2 submissions from 2 submitters: Uncertain significance (2). Last evaluated 2025-07-08.

Allele frequency attached by ClinVar (database versions not stated): TOPMed below 0.00001; ExAC 0.00001; gnomAD exomes 0.00001.
gnomAD v4.1: 7 of 1,560,884 alleles (0.00045%); highest among the groups gnomAD compares: Admixed American, 0.013%; 1 homozygote.

Submissions (2):

Ambry Genetics
Classification: Uncertain significance. Last evaluated: 2025-07-08. Review status: criteria provided, single submitter. Criteria: Ambry Variant Classification Scheme 2023. Collection method: clinical testing. Allele origin: germline.

Labcorp Genetics (formerly Invitae), Labcorp
Classification: Uncertain significance. Last evaluated: 2025-04-08. Review status: criteria provided, single submitter. Criteria: Invitae Variant Classification Sherloc (09022015). Collection method: clinical testing. Allele origin: germline.
Comment: This sequence change replaces aspartic acid, which is acidic and polar, with glutamic acid, which is acidic and polar, at codon 63 of the RUSC2 protein (p.Asp63Glu). The frequency data for this variant in the population databases is considered unreliable, as metrics indicate poor data quality at this position in the gnomAD database. This variant has not been reported in the literature in individuals affected with RUSC2-related conditions. ClinVar contains an entry for this variant (Variation ID: 1353788). An algorithm developed to predict the effect of missense changes on protein structure and function (PolyPhen-2) suggests that this variant is likely to be disruptive. In summary, the available evidence is currently insufficient to determine the role of this variant in disease. Therefore, it has been classified as a Variant of Uncertain Significance.